The following is an entry in ClinVar:

NM_022765.4(MICAL1):c.2010dup (p.Glu671Ter)

Gene: MICAL1 (microtubule associated monooxygenase, calponin and LIM domain containing 1; minus strand). Cytogenetic location: 6q21.
Variant type: Duplication.
Coding change: c.2010dup on transcript NM_022765.4 (MANE Select); coding-DNA position 2010, one base duplicated (T; older notation c.2010dupT).
Protein change: p.Glu671Ter; replaces glutamic acid 671 with a stop codon.
Molecular consequence: nonsense.
Genome position (GRCh38, 1-based): chr6:109,447,417, A duplicated on the plus strand (T on the coding strand, the reverse complement: MICAL1 is on the minus strand). VCF-style (leftmost placement, unchanged base first): chr6-109447416-C-CA. GRCh37 (hg19) VCF-style: chr6-109768619-C-CA.
Other names: c.1752dup, p.Glu585Ter (NM_001159291.2); c.2067dup, p.Glu690Ter (NM_001286613.2); short protein forms E585*, E671*, E690*.
Identifiers: ClinVar variation 4777116 (VCV004777116.1).
Genomic context (GRCh38, chr6:109,447,416, plus strand): 5'-CCTCCTGGTGTTGGGATGGGGGTGTCAGGGGTACACCAGGCTCTGGGTCAGGTGGCACCT[C>CA]AGTACTTGGGGTCTCGGCCTCCATCTAAGGAGGTAAGTGCTCAGGCAGGGAGGGTAGAGG-3'

ClinVar aggregate classification (germline): Uncertain significance (1 of 4 stars; one submission).

Submission:

Labcorp Genetics (formerly Invitae), Labcorp
Classification: Uncertain significance. Last evaluated: 2025-05-01. Review status: criteria provided, single submitter. Criteria: Invitae Variant Classification Sherloc (09022015). Collection method: clinical testing. Allele origin: germline.
Comment: This sequence change creates a premature translational stop signal (p.Glu690*) in the MICAL1 gene. It is expected to result in an absent or disrupted protein product. However, the current clinical and genetic evidence is not sufficient to establish whether loss-of-function variants in MICAL1 cause disease. This variant is present in population databases (rs759075322, gnomAD 0.01%). This variant has not been reported in the literature in individuals affected with MICAL1-related conditions. In summary, the available evidence is currently insufficient to determine the role of this variant in disease. Therefore, it has been classified as a Variant of Uncertain Significance.